The following is an entry in ClinVar:

ClinVar aggregate classification (germline): Uncertain significance (1 of 4 stars; one submission).

Submission:

GeneDx
Classification: Uncertain significance. Last evaluated: 2024-12-04. Review status: criteria provided, single submitter. Criteria: GeneDx Variant Classification Process June 2021. Collection method: clinical testing. Allele origin: germline. Affected: yes.
Comment: Not observed at significant frequency in large population cohorts (gnomAD); In silico analysis indicates that this missense variant does not alter protein structure/function; Has not been previously published as pathogenic or benign to our knowledge

NM_001330078.2(NRXN1):c.2709A>G (p.Ile903Met)

Gene: NRXN1 (neurexin 1; minus strand). Cytogenetic location: 2p16.3.
Variant type: single nucleotide variant.
Coding change: c.2709A>G on transcript NM_001330078.2 (MANE Select); coding-DNA position 2709, A replaced by G.
Protein change: p.Ile903Met; replaces isoleucine 903 with methionine.
Molecular consequence: missense variant.
Genome position (GRCh38, 1-based): chr2:50,497,503, T>C on the plus strand (A>G on the coding strand, the complement: NRXN1 is on the minus strand). VCF-style: chr2-50497503-T-C. GRCh37 (hg19) VCF-style: chr2-50724641-T-C.
Other names: c.2829A>G, p.Ile943Met (NM_001135659.3); c.2685A>G, p.Ile895Met (NM_001330077.2, NM_001330082.2); c.2643A>G, p.Ile881Met (NM_001330083.2, NM_001330084.2); c.2682A>G, p.Ile894Met (NM_001330085.2); c.2709A>G, p.Ile903Met (NM_001330086.2, NM_004801.6); c.2598A>G, p.Ile866Met (NM_001330087.2, NM_001330096.2); c.2628A>G, p.Ile876Met (NM_001330088.2); c.2706A>G, p.Ile902Met (NM_001330093.2); and 2 more; short protein forms I866M, I876M, I881M, I886M, I894M, I895M, I899M, I902M.
Identifiers: ClinVar variation 3901699 (VCV003901699.1).
Genomic context (GRCh38, chr2:50,497,503, plus strand): 5'-GGCTTGCAAGGTAGCTAAGGCAACATAGCTCGATTTGGTCTTGAAGGTGACAGGATCTGC[T>C]ATGATGTTCCTGAAGCCAAATCTGGCATTAAGCTCACAGTAATCTATGTCGCCATTTTTA-3'
Protein context (NP_001317007.1, residues 893-913): LNARFGFRNI[Ile903Met]ADPVTFKTKS